The following is an entry in ClinVar:

NM_015021.3(ZNF292):c.4549G>C (p.Val1517Leu)

Gene: ZNF292 (zinc finger protein 292; plus strand). Cytogenetic location: 6q14.3.
Variant type: single nucleotide variant.
Coding change: c.4549G>C on transcript NM_015021.3 (MANE Select); coding-DNA position 4549, G replaced by C.
Protein change: p.Val1517Leu; replaces valine 1517 with leucine.
Molecular consequence: missense variant.
Genome position (GRCh38, 1-based): chr6:87,258,178, G>C. VCF-style: chr6-87258178-G-C. GRCh37 (hg19) VCF-style: chr6-87967896-G-C.
Other names: c.4129G>C, p.Val1377Leu (NM_001351444.2); short protein forms V1377L, V1517L.
Identifiers: ClinVar variation 4881192 (VCV004881192.2).

ClinVar aggregate classification (germline): Uncertain significance (1 of 4 stars; one submission).

gnomAD v4.1: 3 of 1,611,716 alleles (0.00019%); highest among the groups gnomAD compares: East Asian, 0.0022%; no homozygotes.

Submission:

Dasa
Classification: Uncertain significance. Last evaluated: 2025-06-16. Review status: criteria provided, single submitter. Criteria: DASA Assertion Criteria. Collection method: clinical testing. Allele origin: germline.
Comment: NM_015021.3(ZNF292):c.4549G>C (p.Val1517Leu) is a missense variant that results in the substitution of valine with leucine. This variant is rare in population databases. Computational prediction algorithms are consistent with a benign effect. The currently available literature and clinical evidence are not sufficient to establish a definitive association between this variant and the reported condition. Therefore, this variant is classified as a variant of uncertain significance.